The following is an entry in ClinVar:

NM_001353214.3(DYM):c.943C>G (p.Gln315Glu)

Gene: DYM (dymeclin; minus strand). Cytogenetic location: 18q21.1.
Variant type: single nucleotide variant.
Coding change: c.943C>G on transcript NM_001353214.3 (MANE Select); coding-DNA position 943, C replaced by G.
Protein change: p.Gln315Glu; replaces glutamine 315 with glutamic acid.
Molecular consequence: missense variant. On other transcripts: intron variant (1).
Genome position (GRCh38, 1-based): chr18:49,286,437, G>C on the plus strand (C>G on the coding strand, the complement: DYM is on the minus strand). VCF-style: chr18-49286437-G-C. GRCh37 (hg19) VCF-style: chr18-46812807-G-C.
Other names: c.940C>G, p.Gln314Glu (NM_001353210.3, NM_001353211.3, NM_001353212.3 and 3 more transcripts); c.943C>G, p.Gln315Glu (NM_001353215.3, NM_001353216.3, NM_001374428.1 and 5 more transcripts); c.937C>G, p.Gln313Glu (NM_001374429.1, NM_001374439.1); c.817C>G, p.Gln273Glu (NM_001374432.1, NM_001374436.1); c.715C>G, p.Gln239Glu (NM_001374440.1); c.373C>G, p.Gln125Glu (NM_001374441.1, NM_001374442.1, NM_001374444.1); c.370C>G, p.Gln124Glu (NM_001374443.1); c.764-4262C>G (NM_001374437.1); and 1 more; short protein forms Q273E, Q314E, Q124E, Q125E, Q315E, Q239E, Q313E.
Identifiers: ClinVar variation 1423923 (VCV001423923.6), dbSNP rs897630711, ClinGen allele CA300380081.
Genomic context (GRCh38, chr18:49,286,437, plus strand): 5'-TAGAACAAGCAATACTCTCCCCATTACAAAGAATATTAGAGAAAAAATACCACAAACCTT[G>C]TGTGTTCTTGAAGGACATAATGGCTTGTCTGTAGGGGTTTGGCGCATCTGAGGCATCTGT-3'
Protein context (NP_001340143.1, residues 305-325): RQAIMSFKNT[Gln315Glu]DSSPFPSSIP

ClinVar aggregate classification (germline): Uncertain significance. Review status: criteria provided, multiple submitters, no conflicts (2 of 4 stars). 2 submissions from 2 submitters: Uncertain significance (2). Last evaluated 2024-10-21.

Conditions:
Inborn genetic diseases. Identifiers: MedGen C0950123, MeSH D030342.

Allele frequency attached by ClinVar (database versions not stated): gnomAD exomes below 0.00001; TOPMed 0.00002; gnomAD 0.00003 and 0.00004.

Submissions (2):

Labcorp Genetics (formerly Invitae), Labcorp
Classification: Uncertain significance. Last evaluated: 2024-10-21. Review status: criteria provided, single submitter. Criteria: Invitae Variant Classification Sherloc (09022015). Collection method: clinical testing. Allele origin: germline.
Comment: This sequence change replaces glutamine, which is neutral and polar, with glutamic acid, which is acidic and polar, at codon 315 of the DYM protein (p.Gln315Glu). This variant is present in population databases (no rsID available, gnomAD 0.003%). This variant has not been reported in the literature in individuals affected with DYM-related conditions. ClinVar contains an entry for this variant (Variation ID: 1423923). Invitae Evidence Modeling of protein sequence and biophysical properties (such as structural, functional, and spatial information, amino acid conservation, physicochemical variation, residue mobility, and thermodynamic stability) indicates that this missense variant is not expected to disrupt DYM protein function with a negative predictive value of 80%. In summary, the available evidence is currently insufficient to determine the role of this variant in disease. Therefore, it has been classified as a Variant of Uncertain Significance.

Ambry Genetics
Classification: Uncertain significance for Inborn genetic diseases. Last evaluated: 2022-11-17. Review status: criteria provided, single submitter. Criteria: Ambry Variant Classification Scheme 2023. Collection method: clinical testing. Allele origin: germline.